The following is an entry in ClinVar:

NM_058216.3(RAD51C):c.218C>T (p.Pro73Leu)

Gene: RAD51C (RAD51 paralog C; plus strand). Cytogenetic location: 17q22.
Variant type: single nucleotide variant.
Coding change: c.218C>T on transcript NM_058216.3 (MANE Select); coding-DNA position 218, C replaced by T.
Protein change: p.Pro73Leu; replaces proline 73 with leucine.
Molecular consequence: missense variant. On other transcripts: non-coding transcript variant (2).
Genome position (GRCh38, 1-based): chr17:58,695,003, C>T. VCF-style: chr17-58695003-C-T. GRCh37 (hg19) VCF-style: chr17-56772364-C-T.
Other names: c.218C>T, p.Pro73Leu (NM_002876.4, NM_058217.1); short protein forms P73L.
Identifiers: ClinVar variation 1787396 (VCV001787396.5), dbSNP rs1006806353, ClinGen allele CA400340134.

ClinVar aggregate classification (germline): Conflicting classifications of pathogenicity. Review status: criteria provided, conflicting classifications (1 of 4 stars). 2 submissions from 2 submitters: Uncertain significance (1); Benign (1). Last evaluated 2025-10-17.

Conditions:
Hereditary cancer-predisposing syndrome. Also called: Tumor predisposition; Neoplastic Syndromes, Hereditary; Hereditary Cancer Syndrome; Hereditary neoplastic syndrome. Identifiers: Orphanet 140162, MedGen C0027672, MeSH D009386, MONDO:0015356.
Fanconi anemia complementation group O. Also called: RAD51C-Related Fanconi Anemia. Identifiers: Orphanet 84, MedGen C3150653, MONDO:0013248, OMIM 613390.

Submissions (2):

Ambry Genetics
Classification: Benign for Hereditary cancer-predisposing syndrome. Last evaluated: 2025-10-17. Review status: criteria provided, single submitter. Criteria: Ambry Variant Classification Scheme 2023. Collection method: clinical testing. Allele origin: germline.

Labcorp Genetics (formerly Invitae), Labcorp
Classification: Uncertain significance for Fanconi anemia complementation group O. Last evaluated: 2024-04-24. Review status: criteria provided, single submitter. Criteria: Invitae Variant Classification Sherloc (09022015). Collection method: clinical testing. Allele origin: germline.
Comment: This sequence change replaces proline, which is neutral and non-polar, with leucine, which is neutral and non-polar, at codon 73 of the RAD51C protein (p.Pro73Leu). This variant is not present in population databases (gnomAD no frequency). This variant has not been reported in the literature in individuals affected with RAD51C-related conditions. ClinVar contains an entry for this variant (Variation ID: 1787396). An algorithm developed to predict the effect of missense changes on protein structure and function (PolyPhen-2) suggests that this variant is likely to be tolerated. In summary, the available evidence is currently insufficient to determine the role of this variant in disease. Therefore, it has been classified as a Variant of Uncertain Significance.